The following is an entry in ClinVar:

ClinVar aggregate classification (germline): Uncertain significance (0 of 4 stars; one submission).

Conditions:
DNMT3A-related disorder. Also called: DNMT3A-related disorders; DNMT3A-related condition.

Allele frequency attached by ClinVar (database versions not stated): gnomAD exomes below 0.00001; gnomAD 0.00001; TOPMed 0.00002.
gnomAD v4.1: 4 of 1,613,304 alleles (0.00025%); highest among the groups gnomAD compares: African/African-American, 0.0053%; no homozygotes.

Submission:

PreventionGenetics, part of Exact Sciences
Classification: Uncertain significance for DNMT3A-related condition. Last evaluated: 2023-10-26. Review status: no assertion criteria provided. Collection method: clinical testing. Allele origin: germline.
Comment: The DNMT3A c.1448T>C variant is predicted to result in the amino acid substitution p.Val483Ala. To our knowledge, this variant has not been reported in the literature. This variant is reported in 0.011% of alleles in individuals of African descent in gnomAD. At this time, the clinical significance of this variant is uncertain due to the absence of conclusive functional and genetic evidence.

NM_022552.5(DNMT3A):c.1448T>C (p.Val483Ala)

Gene: DNMT3A (DNA methyltransferase 3 alpha; minus strand). Cytogenetic location: 2p23.3.
Variant type: single nucleotide variant.
Coding change: c.1448T>C on transcript NM_022552.5 (MANE Select); coding-DNA position 1448, T replaced by C.
Protein change: p.Val483Ala; replaces valine 483 with alanine.
Molecular consequence: missense variant. On other transcripts: non-coding transcript variant (1).
Genome position (GRCh38, 1-based): chr2:25,246,046, A>G on the plus strand (T>C on the coding strand, the complement: DNMT3A is on the minus strand). VCF-style: chr2-25246046-A-G. GRCh37 (hg19) VCF-style: chr2-25468915-A-G.
Other names: c.992T>C, p.Val331Ala (NM_001320893.1); c.779T>C, p.Val260Ala (NM_001375819.1); c.881T>C, p.Val294Ala (NM_153759.3); c.1448T>C, p.Val483Ala (NM_175629.2); short protein forms V260A, V294A, V331A, V483A.
Identifiers: ClinVar variation 3036576 (VCV003036576.2), dbSNP rs747281687, ClinGen allele CA346072568.